The following is an entry in ClinVar:

NM_020921.4(NIN):c.4094A>G (p.Gln1365Arg)

Gene: NIN (ninein; minus strand). Cytogenetic location: 14q22.1.
Variant type: single nucleotide variant.
Coding change: c.4094A>G on transcript NM_020921.4 (MANE Select); coding-DNA position 4094, A replaced by G.
Protein change: p.Gln1365Arg; replaces glutamine 1365 with arginine.
Molecular consequence: missense variant. On other transcripts: intron variant (1).
Genome position (GRCh38, 1-based): chr14:50,756,936, T>C on the plus strand (A>G on the coding strand, the complement: NIN is on the minus strand). VCF-style: chr14-50756936-T-C. GRCh37 (hg19) VCF-style: chr14-51223654-T-C.
Other names: c.4094A>G, p.Gln1365Arg (NM_182944.3, NM_182946.2); c.2400-2069A>G (NM_016350.5); short protein forms Q1365R.
Identifiers: ClinVar variation 4697117 (VCV004697117.1).

ClinVar aggregate classification (germline): Uncertain significance (1 of 4 stars; one submission).

gnomAD v4.1: 2 of 1,582,810 alleles (0.00013%); highest among the groups gnomAD compares: African/African-American, 0.0013%; no homozygotes.

Submission:

Labcorp Genetics (formerly Invitae), Labcorp
Classification: Uncertain significance. Last evaluated: 2025-03-05. Review status: criteria provided, single submitter. Criteria: Invitae Variant Classification Sherloc (09022015). Collection method: clinical testing. Allele origin: germline.
Comment: This sequence change replaces glutamine, which is neutral and polar, with arginine, which is basic and polar, at codon 1365 of the NIN protein (p.Gln1365Arg). This variant is present in population databases (rs758035891, gnomAD 0.001%). This variant has not been reported in the literature in individuals affected with NIN-related conditions. An algorithm developed to predict the effect of missense changes on protein structure and function (PolyPhen-2) suggests that this variant is likely to be tolerated. In summary, the available evidence is currently insufficient to determine the role of this variant in disease. Therefore, it has been classified as a Variant of Uncertain Significance.